The following is an entry in ClinVar:

NM_000051.4(ATM):c.7505G>T (p.Gly2502Val)

Genes: ATM (ATM serine/threonine kinase; plus strand), C11orf65 (chromosome 11 open reading frame 65; minus strand). Cytogenetic location: 11q22.3.
Variant type: single nucleotide variant.
Coding change: c.7505G>T on transcript NM_000051.4 (MANE Select); coding-DNA position 7505, G replaced by T.
Protein change: p.Gly2502Val; replaces glycine 2502 with valine.
Molecular consequence: missense variant. On other transcripts: intron variant (2).
Genome position (GRCh38, 1-based): chr11:108,330,411, G>T. VCF-style: chr11-108330411-G-T. GRCh37 (hg19) VCF-style: chr11-108201138-G-T.
Other names: c.7505G>T, p.Gly2502Val (NM_001351834.2); c.641-21340C>A (NM_001330368.2); c.*38+4809C>A (NM_001351110.2); short protein forms G2502V.
Identifiers: ClinVar variation 861895 (VCV000861895.11), dbSNP rs754517317, ClinGen allele CA6266117.

ClinVar aggregate classification (germline): Uncertain significance. Review status: criteria provided, multiple submitters, no conflicts (2 of 4 stars). 2 submissions from 2 submitters: Uncertain significance (2). Last evaluated 2025-02-25.

Conditions:
Hereditary cancer-predisposing syndrome. Also called: Tumor predisposition; Neoplastic Syndromes, Hereditary; Hereditary Cancer Syndrome; Hereditary neoplastic syndrome. Identifiers: Orphanet 140162, MedGen C0027672, MeSH D009386, MONDO:0015356.
Ataxia-telangiectasia syndrome (AT). Also called: ATAXIA-TELANGIECTASIA, COMPLEMENTATION GROUP A; ATAXIA-TELANGIECTASIA, FRESNO VARIANT; Ataxia-telangiectasia; Ataxia-telangiectasia, complementation group D; AT, COMPLEMENTATION GROUP C; Ataxia-telangiectasia, complementation group E. Identifiers: Orphanet 100, MedGen C0004135, MONDO:0008840, OMIM 208900.

Allele frequency attached by ClinVar (database versions not stated): TOPMed below 0.00001; ExAC 0.00001; gnomAD exomes below 0.00001.
gnomAD v4.1: 1 of 1,614,096 alleles (0.000062%); highest among the groups gnomAD compares: Non-Finnish European, 0.000085%; no homozygotes.

Submissions (2):

Labcorp Genetics (formerly Invitae), Labcorp
Classification: Uncertain significance for Ataxia-telangiectasia syndrome. Last evaluated: 2025-02-25. Review status: criteria provided, single submitter. Criteria: Invitae Variant Classification Sherloc (09022015). Collection method: clinical testing. Allele origin: germline.
Comment: This sequence change replaces glycine, which is neutral and non-polar, with valine, which is neutral and non-polar, at codon 2502 of the ATM protein (p.Gly2502Val). This variant is present in population databases (rs754517317, gnomAD 0.0009%). This variant has not been reported in the literature in individuals affected with ATM-related conditions. ClinVar contains an entry for this variant (Variation ID: 861895). Invitae Evidence Modeling of protein sequence and biophysical properties (such as structural, functional, and spatial information, amino acid conservation, physicochemical variation, residue mobility, and thermodynamic stability) indicates that this missense variant is not expected to disrupt ATM protein function with a negative predictive value of 95%. In summary, the available evidence is currently insufficient to determine the role of this variant in disease. Therefore, it has been classified as a Variant of Uncertain Significance.

Ambry Genetics
Classification: Uncertain significance for Hereditary cancer-predisposing syndrome. Last evaluated: 2021-11-26. Review status: criteria provided, single submitter. Criteria: Ambry Variant Classification Scheme 2023. Collection method: clinical testing. Allele origin: germline.